The following is an entry in ClinVar:

ClinVar aggregate classification (germline): Uncertain significance (1 of 4 stars; one submission).

gnomAD v4.1: 24 of 1,611,386 alleles (0.0015%); highest among the groups gnomAD compares: Non-Finnish European, 0.0014%; no homozygotes.

Submission:

Ambry Genetics
Classification: Uncertain significance. Last evaluated: 2025-09-28. Review status: criteria provided, single submitter. Criteria: Ambry Variant Classification Scheme 2023. Collection method: clinical testing. Allele origin: germline.
Comment: The p.D290G variant (also known as c.869A>G), located in coding exon 9 of the NEBL gene, results from an A to G substitution at nucleotide position 869. The aspartic acid at codon 290 is replaced by glycine, an amino acid with similar properties. This amino acid position is conserved. In addition, this alteration is predicted to be tolerated by in silico analysis. Based on the available evidence, the clinical significance of this variant remains unclear.

NM_006393.3(NEBL):c.869A>G (p.Asp290Gly)

Gene: NEBL (nebulette; minus strand). Cytogenetic location: 10p12.31.
Variant type: single nucleotide variant.
Coding change: c.869A>G on transcript NM_006393.3 (MANE Select); coding-DNA position 869, A replaced by G.
Protein change: p.Asp290Gly; replaces aspartic acid 290 with glycine.
Molecular consequence: missense variant. On other transcripts: intron variant (9).
Genome position (GRCh38, 1-based): chr10:20,858,274, T>C on the plus strand (A>G on the coding strand, the complement: NEBL is on the minus strand). VCF-style: chr10-20858274-T-C. GRCh37 (hg19) VCF-style: chr10-21147203-T-C.
Other names: c.250-45334A>G (NM_001377326.1, NM_001377327.1, NM_001377328.1); c.358-45334A>G (NM_213569.2, NM_001173484.2, NM_001377322.1); c.301-45334A>G (NM_001377324.1); c.292-45334A>G (NM_001377325.1); c.310-45334A>G (NM_001377323.1); short protein forms D290G.
Identifiers: ClinVar variation 4556731 (VCV004556731.1).